The following is an entry in ClinVar:

ClinVar aggregate classification (germline): Likely benign (1 of 4 stars; one submission).

Submission:

CeGaT Center for Human Genetics Tuebingen
Classification: Likely benign. Last evaluated: 2026-08-01. Review status: criteria provided, single submitter. Criteria: CeGaT Center For Human Genetics Tuebingen Variant Classification Criteria Version 2. Collection method: clinical testing. Allele origin: germline. Affected: yes. Observed: 1 variant allele.
Comment: TBR1: PP3, BS2

NM_006593.4(TBR1):c.1366G>A (p.Gly456Ser)

Gene: TBR1 (T-box brain transcription factor 1; plus strand). Cytogenetic location: 2q24.2.
Variant type: single nucleotide variant.
Coding change: c.1366G>A on transcript NM_006593.4 (MANE Select); coding-DNA position 1366, G replaced by A.
Protein change: p.Gly456Ser; replaces glycine 456 with serine.
Molecular consequence: missense variant.
Genome position (GRCh38, 1-based): chr2:161,423,544, G>A. VCF-style: chr2-161423544-G-A. GRCh37 (hg19) VCF-style: chr2-162280055-G-A.
Other names: short protein forms G456S.
Identifiers: ClinVar variation 5040607 (VCV005040607.1).